The following is an entry in ClinVar:

NM_001015877.2(PHF6):c.128A>G (p.His43Arg)

Gene: PHF6 (PHD finger protein 6; plus strand). Cytogenetic location: Xq26.2.
Variant type: single nucleotide variant.
Coding change: c.128A>G on transcript NM_001015877.2 (MANE Select); coding-DNA position 128, A replaced by G.
Protein change: p.His43Arg; replaces histidine 43 with arginine.
Molecular consequence: missense variant.
Genome position (GRCh38, 1-based): chrX:134,377,745, A>G. VCF-style: chrX-134377745-A-G. GRCh37 (hg19) VCF-style: chrX-133511775-A-G.
Other names: c.128A>G (NM_032458.2); c.128A>G, p.His43Arg (NM_032335.3, NM_032458.3); short protein forms H43R.
Identifiers: ClinVar variation 3675227 (VCV003675227.4).

ClinVar aggregate classification (germline): Uncertain significance. Review status: criteria provided, multiple submitters, no conflicts (2 of 4 stars). 3 submissions from 3 submitters: Uncertain significance (3). Last evaluated 2026-04-10.

Conditions:
Inborn genetic diseases. Identifiers: MedGen C0950123, MeSH D030342.
Borjeson-Forssman-Lehmann syndrome (BFLS). Also called: MENTAL RETARDATION, X-LINKED, SYNDROMIC, BORJESON-FORSSMAN-LEHMANN TYPE; MENTAL RETARDATION, EPILEPSY, AND ENDOCRINE DISORDERS; BORJESON SYNDROME. Identifiers: Orphanet 127, MedGen C0265339, MONDO:0010537, OMIM 301900.
PHF6-related disorder. Also called: PHF6-related condition.

gnomAD v4.1: 3 of 1,210,092 alleles (0.00025%); highest among the groups gnomAD compares: Admixed American, 0.0022%; no homozygotes.

Submissions (3):

PreventionGenetics, part of Exact Sciences
Classification: Uncertain significance for PHF6-related condition. Last evaluated: 2026-04-10. Review status: criteria provided, single submitter. Criteria: ACMG Guidelines, 2015. Collection method: clinical testing. Allele origin: germline.
Comment: The PHF6 c.128A>G variant is predicted to result in the amino acid substitution p.His43Arg. To our knowledge, this variant has not been reported in the literature. This variant is reported in 0.0036% of alleles in individuals of Latino descent in gnomAD. At this time, the clinical significance of this variant is uncertain due to the absence of conclusive functional and genetic evidence.

Labcorp Genetics (formerly Invitae), Labcorp
Classification: Uncertain significance for Borjeson-Forssman-Lehmann syndrome. Last evaluated: 2025-03-17. Review status: criteria provided, single submitter. Criteria: Invitae Variant Classification Sherloc (09022015). Collection method: clinical testing. Allele origin: germline.
Comment: This sequence change replaces histidine, which is basic and polar, with arginine, which is basic and polar, at codon 43 of the PHF6 protein (p.His43Arg). This variant is present in population databases (no rsID available, gnomAD no frequency). This variant has not been reported in the literature in individuals affected with PHF6-related conditions. Invitae Evidence Modeling of protein sequence and biophysical properties (such as structural, functional, and spatial information, amino acid conservation, physicochemical variation, residue mobility, and thermodynamic stability) indicates that this missense variant is expected to disrupt PHF6 protein function with a positive predictive value of 80%. In summary, the available evidence is currently insufficient to determine the role of this variant in disease. Therefore, it has been classified as a Variant of Uncertain Significance.

Ambry Genetics
Classification: Uncertain significance for Inborn genetic diseases. Last evaluated: 2025-01-10. Review status: criteria provided, single submitter. Criteria: Ambry Variant Classification Scheme 2023. Collection method: clinical testing. Allele origin: germline.